The following is an entry in ClinVar:

ClinVar aggregate classification (germline): Pathogenic (1 of 4 stars; one submission).

Conditions:
Tuberous sclerosis 1 (TSC1). Identifiers: Orphanet 805, MedGen C1854465, MONDO:0008612, OMIM 191100.

Submission:

Labcorp Genetics (formerly Invitae), Labcorp
Classification: Pathogenic for Tuberous sclerosis 1. Last evaluated: 2023-10-06. Review status: criteria provided, single submitter. Criteria: Invitae Variant Classification Sherloc (09022015). Collection method: clinical testing. Allele origin: germline.
Comment: This sequence change creates a premature translational stop signal (p.Gln100*) in the TSC1 gene. It is expected to result in an absent or disrupted protein product. Loss-of-function variants in TSC1 are known to be pathogenic (PMID: 10227394, 17304050). This variant is not present in population databases (gnomAD no frequency). This premature translational stop signal has been observed in individual(s) with tuberous sclerosis (PMID: 29476190). ClinVar contains an entry for this variant (Variation ID: 836879). Algorithms developed to predict the effect of sequence changes on RNA splicing suggest that this variant may disrupt the consensus splice site. For these reasons, this variant has been classified as Pathogenic.

Literature cited by the submitters: PubMed 10227394; PubMed 17304050; PubMed 29476190.

NM_000368.5(TSC1):c.298C>T (p.Gln100Ter)

Gene: TSC1 (TSC complex subunit 1; minus strand). Cytogenetic location: 9q34.13.
Variant type: single nucleotide variant.
Coding change: c.298C>T on transcript NM_000368.5 (MANE Select); coding-DNA position 298, C replaced by T.
Protein change: p.Gln100Ter; replaces glutamine 100 with a stop codon.
Molecular consequence: nonsense. On other transcripts: intron variant (1), 5 prime UTR variant (1).
Genome position (GRCh38, 1-based): chr9:132,925,652, G>A on the plus strand (C>T on the coding strand, the complement: TSC1 is on the minus strand). VCF-style: chr9-132925652-G-A. GRCh37 (hg19) VCF-style: chr9-135801039-G-A.
Other names: c.210+1549C>T (NM_001162427.2); c.298C>T, p.Gln100Ter (NM_001162426.2); c.-66C>T (NM_001362177.2); short protein forms Q100*.
Identifiers: ClinVar variation 836879 (VCV000836879.9), dbSNP rs1846813509, ClinGen allele CA375374538.
Genomic context (GRCh38, chr9:132,925,652, plus strand): 5'-GACATTTTAGTAAAGAAGGCAAAAGAGGTGCTTGAGAGAGCTTATGCTTCCAAGATGGCT[G>A]CAGTCTTATGACATGACCCAGTAACGAGAGGATGGATAAACGAGTGGCGGCTTTGCCCAC-3'